The following is an entry in ClinVar:

NM_001384732.1(CPLANE1):c.4803del (p.Lys1601fs)

Gene: CPLANE1 (ciliogenesis and planar polarity effector complex subunit 1; minus strand). Cytogenetic location: 5p13.2.
Variant type: Deletion.
Coding change: c.4803del on transcript NM_001384732.1 (MANE Select); coding-DNA position 4803, one base deleted (A; older notation c.4803delA).
Protein change: p.Lys1601fs; shifts the reading frame from lysine 1601.
Molecular consequence: frameshift variant.
Genome position (GRCh38, 1-based): chr5:37,183,378, T deleted on the plus strand (A on the coding strand, the reverse complement: CPLANE1 is on the minus strand); the first of 4 consecutive T bases (chr5:37,183,378-37,183,381); deleting any one gives the same sequence. VCF-style (leftmost placement, unchanged base first): chr5-37183377-GT-G. GRCh37 (hg19) VCF-style: chr5-37183479-GT-G.
Other names: c.4803del, p.Lys1601fs (NM_023073.4); short protein forms K1601fs.
Identifiers: ClinVar variation 3005544 (VCV003005544.3), dbSNP rs1783181207, ClinGen allele CA1075121926.

ClinVar aggregate classification (germline): Pathogenic (1 of 4 stars; one submission).

Submission:

Labcorp Genetics (formerly Invitae), Labcorp
Classification: Pathogenic. Last evaluated: 2023-10-22. Review status: criteria provided, single submitter. Criteria: Invitae Variant Classification Sherloc (09022015). Collection method: clinical testing. Allele origin: germline.
Comment: This sequence change creates a premature translational stop signal (p.Lys1601Asnfs*34) in the CPLANE1 gene. It is expected to result in an absent or disrupted protein product. Loss-of-function variants in CPLANE1 are known to be pathogenic (PMID: 24178751, 26092869). This variant is not present in population databases (gnomAD no frequency). This variant has not been reported in the literature in individuals affected with CPLANE1-related conditions. For these reasons, this variant has been classified as Pathogenic.

Literature cited by the submitters: PubMed 24178751; PubMed 26092869.